The following is an entry in ClinVar:

ClinVar aggregate classification (germline): Uncertain significance. Review status: criteria provided, multiple submitters, no conflicts (2 of 4 stars). 2 submissions from 2 submitters: Uncertain significance (2). Last evaluated 2024-05-16.

Conditions:
Focal segmental glomerulosclerosis 6 (FSGS6). Identifiers: Orphanet 656, MedGen C3279905, MONDO:0013589, OMIM 614131.

Allele frequency attached by ClinVar (database versions not stated): gnomAD 0.00013; TOPMed 0.00017; gnomAD exomes 0.00022 and 0.00025; ExAC 0.00030; ESP Exome Variant Server 0.00031.
gnomAD v4.1: 336 of 1,613,882 alleles (0.021%); highest among the groups gnomAD compares: Non-Finnish European, 0.027%; no homozygotes.

Submissions (2):

Fulgent Genetics
Classification: Uncertain significance for Focal segmental glomerulosclerosis 6. Last evaluated: 2024-05-16. Review status: criteria provided, single submitter. Criteria: ACMG Guidelines, 2015. Collection method: clinical testing. Allele origin: germline.

Labcorp Genetics (formerly Invitae), Labcorp
Classification: Uncertain significance. Last evaluated: 2021-12-11. Review status: criteria provided, single submitter. Criteria: Invitae Variant Classification Sherloc (09022015). Collection method: clinical testing. Allele origin: germline.
Comment: This sequence change replaces proline, which is neutral and non-polar, with leucine, which is neutral and non-polar, at codon 547 of the MYO1E protein (p.Pro547Leu). This variant is present in population databases (rs150735139, gnomAD 0.07%). This variant has not been reported in the literature in individuals affected with MYO1E-related conditions. Algorithms developed to predict the effect of missense changes on protein structure and function (SIFT, PolyPhen-2, Align-GVGD) all suggest that this variant is likely to be disruptive. In summary, the available evidence is currently insufficient to determine the role of this variant in disease. Therefore, it has been classified as a Variant of Uncertain Significance.

NM_004998.4(MYO1E):c.1640C>T (p.Pro547Leu)

Gene: MYO1E (myosin IE; minus strand). Cytogenetic location: 15q22.2.
Variant type: single nucleotide variant.
Coding change: c.1640C>T on transcript NM_004998.4 (MANE Select); coding-DNA position 1640, C replaced by T.
Protein change: p.Pro547Leu; replaces proline 547 with leucine.
Molecular consequence: missense variant.
Genome position (GRCh38, 1-based): chr15:59,202,384, G>A on the plus strand (C>T on the coding strand, the complement: MYO1E is on the minus strand). VCF-style: chr15-59202384-G-A. GRCh37 (hg19) VCF-style: chr15-59494583-G-A.
Other names: short protein forms P547L.
Identifiers: ClinVar variation 1490050 (VCV001490050.4), dbSNP rs150735139, ClinGen allele CA7589548.
Genomic context (GRCh38, chr15:59,202,384, plus strand): 5'-ACCTTTATTTTGCTTCCGGCAGTAGTTGGGCGCCCTTTCTTGTCAGCCTGCAGATTTTCC[G>A]GAAATAAAGACTTTATGAAAGGCCTGGAAAAGGAGAAAGAGAATGAATTAACAATCTGTA-3'
Protein context (NP_004989.2, residues 537-557): SELPFIKSLF[Pro547Leu]ENLQADKKGR